The following is an entry in ClinVar:

NM_013275.6(ANKRD11):c.5039dup (p.Ala1681fs)

Gene: ANKRD11 (ankyrin repeat domain 11; minus strand). Cytogenetic location: 16q24.3.
Variant type: Duplication.
Coding change: c.5039dup on transcript NM_013275.6 (MANE Select); coding-DNA position 5039, one base duplicated (T; older notation c.5039dupT).
Protein change: p.Ala1681fs; shifts the reading frame from alanine 1681.
Molecular consequence: frameshift variant.
Genome position (GRCh38, 1-based): chr16:89,281,503, A duplicated on the plus strand (T on the coding strand, the reverse complement: ANKRD11 is on the minus strand). VCF-style (leftmost placement, unchanged base first): chr16-89281502-C-CA. GRCh37 (hg19) VCF-style: chr16-89347910-C-CA.
Other names: NP_037407.4:p.(Ala1681GlyfsTer16); c.5039dup, p.Ala1681fs (NM_001256182.2, NM_001256183.2); short protein forms A1681fs.
Identifiers: ClinVar variation 4876223 (VCV004876223.1).
Genomic context (GRCh38, chr16:89,281,502, plus strand): 5'-GGGCCGGCTCTGGTCAGGCCTGGGGGACGCAGGCAGGACCTCTTTCATGTGAGGGCCTGC[C>CA]AGCCAGTCTTTGGAGTCTGCACCTGATGCTGGGTGTAGCTTATTTTCCGCGGCAGGTGGA-3'

ClinVar aggregate classification (germline): Likely pathogenic (1 of 4 stars; one submission).

Conditions:
KBG syndrome (KBGS). Also called: ANKRD11-Related KBG Syndrome. Identifiers: Orphanet 2332, MedGen C0220687, MONDO:0007846, OMIM 148050.

Submission:

Umrani?ye Training and Research Hospital
Classification: Likely pathogenic for KBG syndrome. Last evaluated: 2026-06-29. Review status: criteria provided, single submitter. Criteria: ACMG Guidelines, 2015. Collection method: clinical testing. Allele origin: germline. Inheritance: Autosomal dominant inheritance. Affected: yes.
Comment: PVS1, PM2

Literature cited by the submitters: PubMed 42808190.